The following is an entry in ClinVar:

NM_000133.4(F9):c.674C>T (p.Thr225Ile)

Gene: F9 (coagulation factor IX; plus strand). Cytogenetic location: Xq27.1.
Variant type: single nucleotide variant.
Coding change: c.674C>T on transcript NM_000133.4 (MANE Select); coding-DNA position 674, C replaced by T.
Protein change: p.Thr225Ile; replaces threonine 225 with isoleucine.
Molecular consequence: missense variant.
Genome position (GRCh38, 1-based): chrX:139,551,215, C>T. VCF-style: chrX-139551215-C-T. GRCh37 (hg19) VCF-style: chrX-138633374-C-T.
Other names: c.560C>T, p.Thr187Ile (NM_001313913.2); short protein forms T225I, T187I.
Identifiers: ClinVar variation 4991428 (VCV004991428.1).

ClinVar aggregate classification (germline): Uncertain significance (1 of 4 stars; one submission).

Conditions:
F9-related disorder. Also called: F9-related condition.

gnomAD v4.1: 1 of 1,209,485 alleles (0.000083%); highest among the groups gnomAD compares: Non-Finnish European, 0.00011%; no homozygotes.

Submission:

PreventionGenetics, part of Exact Sciences
Classification: Uncertain significance for F9-related condition. Last evaluated: 2026-03-06. Review status: criteria provided, single submitter. Criteria: ACMG Guidelines, 2015. Collection method: clinical testing. Allele origin: germline.
Comment: The F9 c.674C>T variant is predicted to result in the amino acid substitution p.Thr225Ile. To our knowledge, this variant has not been reported in the literature. This variant is reported in 0.0076% of alleles in individuals of African descent in gnomAD. At this time, the clinical significance of this variant is uncertain due to the absence of conclusive functional and genetic evidence.